The following is an entry in ClinVar:

ClinVar aggregate classification (germline): Uncertain significance (1 of 4 stars; one submission).

Submission:

Labcorp Genetics (formerly Invitae), Labcorp
Classification: Uncertain significance. Last evaluated: 2022-11-24. Review status: criteria provided, single submitter. Criteria: Invitae Variant Classification Sherloc (09022015). Collection method: clinical testing. Allele origin: germline.
Comment: This variant is not present in population databases (gnomAD no frequency). This sequence change falls in intron 11 of the LEMD3 gene. It does not directly change the encoded amino acid sequence of the LEMD3 protein. It affects a nucleotide within the consensus splice site. This variant has not been reported in the literature in individuals affected with LEMD3-related conditions. Variants that disrupt the consensus splice site are a relatively common cause of aberrant splicing (PMID: 17576681, 9536098). Algorithms developed to predict the effect of sequence changes on RNA splicing suggest that this variant may disrupt the consensus splice site. In summary, the available evidence is currently insufficient to determine the role of this variant in disease. Therefore, it has been classified as a Variant of Uncertain Significance.

Literature cited by the submitters: PubMed 17576681; PubMed 9536098.

NM_014319.5(LEMD3):c.2493+3A>G

Gene: LEMD3 (LEM domain containing 3; plus strand). Cytogenetic location: 12q14.3.
Variant type: single nucleotide variant.
Coding change: c.2493+3A>G on transcript NM_014319.5 (MANE Select); 3 bases into the intron after coding-DNA position 2493, A replaced by G.
Molecular consequence: intron variant.
Genome position (GRCh38, 1-based): chr12:65,245,777, A>G. VCF-style: chr12-65245777-A-G. GRCh37 (hg19) VCF-style: chr12-65639557-A-G.
Other names: c.2490+3A>G (NM_001167614.2).
Identifiers: ClinVar variation 2816308 (VCV002816308.3), dbSNP rs2498913289, ClinGen allele CA2739272182.